The following is an entry in ClinVar:

ClinVar aggregate classification (germline): Conflicting classifications of pathogenicity. Review status: criteria provided, conflicting classifications (1 of 4 stars). 5 submissions from 5 submitters: Uncertain significance (4); Likely benign (1). Last evaluated 2026-09-16.

Conditions:
Cardiovascular phenotype. Identifiers: MedGen CN230736.
Familial hypobetalipoproteinemia 1. Also called: APOB-Related Familial Hypobetalipoproteinemia; Hypobetalipoproteinemia, normotriglyceridemic; Acanthocytosis with hypobetalipoproteinemia. Identifiers: MedGen C4551990, MONDO:0014252, OMIM 615558.
Hypercholesterolemia, autosomal dominant, type B (FHCL2). Also called: Familial hypercholesterolemia 2; APOLIPOPROTEIN B-100, FAMILIAL DEFECTIVE; APOLIPOPROTEIN B-100, FAMILIAL LIGAND-DEFECTIVE; HYPERCHOLESTEROLEMIA, FAMILIAL, DUE TO LIGAND-DEFECTIVE APOLIPOPROTEIN B; APOB-Related Familial Hypercholesterolemia, Autosomal Dominant; Familial Hypercholesterolemia Type B. Identifiers: MedGen C1704417, MONDO:0007751, OMIM 144010.
Familial hypercholesterolemia. Also called: Familial hypercholesterolaemia; Familial hypercholesterolemias. Identifiers: MedGen C0020445, MONDO:0005439.
Hypercholesterolemia, familial, 1. Also called: HYPERCHOLESTEROLEMIA, FAMILIAL, MODIFIER OF; LDL RECEPTOR DISORDER; Hyperlipoproteinemia Type IIa; HYPER-LOW-DENSITY-LIPOPROTEINEMIA; HYPERCHOLESTEROLEMIC XANTHOMATOSIS, FAMILIAL; Fredrickson type IIa hyperlipoproteinemia. Identifiers: Orphanet 391665, MedGen C0745103, MONDO:0007750, OMIM 143890.

Allele frequency attached by ClinVar (database versions not stated): TOPMed 0.00001; ExAC 0.00002; gnomAD 0.00003; ESP Exome Variant Server 0.00008; 1000 Genomes Project 30x 0.00016; 1000 Genomes Project 0.00020.
gnomAD v4.1: 28 of 1,614,088 alleles (0.0017%); highest among the groups gnomAD compares: Admixed American, 0.0033%; no homozygotes.

Submissions (5):

Cambridge Genomics Laboratory, East Genomic Laboratory Hub, NHS Genomic Medicine Service
Classification: Uncertain significance for Familial hypercholesterolaemia. Last evaluated: 2026-09-16. Review status: criteria provided, single submitter. Criteria: ACGS Best Practice Guidelines for Variant Classification in Rare Disease 2020. Collection method: clinical testing. Allele origin: germline. Affected: yes.
Comment: PM2_Supporting,PP4

Ambry Genetics
Classification: Uncertain significance for Cardiovascular phenotype. Last evaluated: 2025-03-31. Review status: criteria provided, single submitter. Criteria: Ambry Variant Classification Scheme 2023. Collection method: clinical testing. Allele origin: germline.
Comment: The p.R1284Q variant (also known as c.3851G>A), located in coding exon 25 of the APOB gene, results from a G to A substitution at nucleotide position 3851. The arginine at codon 1284 is replaced by glutamine, an amino acid with highly similar properties. This variant was reported in individual(s) with features consistent with familial hypercholesterolemia (Toto-uraska J et al. Pol Arch Intern Med, 2023 Jun;133). This amino acid position is not well conserved in available vertebrate species. In addition, this alteration is predicted to be tolerated by in silico analysis. Based on the available evidence, the clinical significance of this variant remains unclear for autosomal dominant familial hypercholesterolemia; however, it is unlikely to be causative of autosomal recessive APOB-related hypobetalipoproteinemia.

Labcorp Genetics (formerly Invitae), Labcorp
Classification: Likely benign for Familial hypobetalipoproteinemia 1; Hypercholesterolemia, autosomal dominant, type B. Last evaluated: 2024-10-22. Review status: criteria provided, single submitter. Criteria: Invitae Variant Classification Sherloc (09022015). Collection method: clinical testing. Allele origin: germline.

Fulgent Genetics
Classification: Uncertain significance for Hypercholesterolemia, autosomal dominant, type B; Familial hypobetalipoproteinemia 1. Last evaluated: 2021-11-08. Review status: criteria provided, single submitter. Criteria: ACMG Guidelines, 2015. Collection method: clinical testing. Allele origin: unknown.

Robarts Research Institute, Western University
Classification: Uncertain significance for Hypercholesterolemia, familial, 1. Last evaluated: 2018-01-02. Review status: criteria provided, single submitter. Criteria: ACMG Guidelines, 2015. Collection method: clinical testing. Allele origin: germline. Inheritance: Autosomal dominant inheritance. Affected: yes.

Literature cited by the submitters: PubMed 36648309 (cited by Ambry Genetics).

NM_000384.3(APOB):c.3851G>A (p.Arg1284Gln)

Gene: APOB (apolipoprotein B; minus strand). Cytogenetic location: 2p24.1.
Variant type: single nucleotide variant.
Coding change: c.3851G>A on transcript NM_000384.3 (MANE Select); coding-DNA position 3851, G replaced by A.
Protein change: p.Arg1284Gln; replaces arginine 1284 with glutamine.
Molecular consequence: missense variant.
Genome position (GRCh38, 1-based): chr2:21,013,525, C>T on the plus strand (G>A on the coding strand, the complement: APOB is on the minus strand). VCF-style: chr2-21013525-C-T. GRCh37 (hg19) VCF-style: chr2-21236397-C-T.
Other names: short protein forms R1284Q.
Identifiers: ClinVar variation 548054 (VCV000548054.12), dbSNP rs372154910, ClinGen allele CA060049.
Genomic context (GRCh38, chr2:21,013,525, plus strand): 5'-CCACCAAAAGGCAAAGGAATCTCAATTTTCAAACTGTTCTTGTTCAAGGTATATTTGACC[C>T]GGCCATCGCTGAAATGAACAACAAAGATAACATCCCCACAGTCAGACATCAGTCATTCAA-3'
Protein context (NP_000375.3, residues 1274-1294): PENLFLKSDG[Arg1284Gln]VKYTLNKNSL